The following is an entry in ClinVar:

NM_001035.3(RYR2):c.9128+263C>T

Gene: RYR2 (ryanodine receptor 2; plus strand). Cytogenetic location: 1q43.
Variant type: single nucleotide variant.
Coding change: c.9128+263C>T on transcript NM_001035.3 (MANE Select); 263 bases into the intron after coding-DNA position 9128, C replaced by T.
Molecular consequence: intron variant.
Genome position (GRCh38, 1-based): chr1:237,699,288, C>T. VCF-style: chr1-237699288-C-T. GRCh37 (hg19) VCF-style: chr1-237862588-C-T.
Identifiers: ClinVar variation 672864 (VCV000672864.1), dbSNP rs114666746, ClinGen allele CA39785697.

ClinVar aggregate classification (germline): Likely benign (1 of 4 stars; one submission).

Allele frequency attached by ClinVar (database versions not stated): 1000 Genomes Project 30x 0.00640; 1000 Genomes Project 0.00659; TOPMed 0.01293; gnomAD 0.01366 and 0.01368.
gnomAD v4.1: 2,075 of 152,188 alleles (1.4%); highest among the groups gnomAD compares: Non-Finnish European, 2%; 12 homozygotes.

Submission:

GeneDx
Classification: Likely benign. Last evaluated: 2018-06-14. Review status: criteria provided, single submitter. Criteria: GeneDx Variant Classification (06012015). Collection method: clinical testing. Allele origin: germline. Affected: yes.
Comment: This variant is considered likely benign or benign based on one or more of the following criteria: it is a conservative change, it occurs at a poorly conserved position in the protein, it is predicted to be benign by multiple in silico algorithms, and/or has population frequency not consistent with disease.